The following is an entry in ClinVar:

ClinVar aggregate classification (germline): Uncertain significance. Review status: criteria provided, multiple submitters, no conflicts (2 of 4 stars). 2 submissions from 2 submitters: Uncertain significance (2). Last evaluated 2026-05-01.

Conditions:
Inborn genetic diseases. Identifiers: MedGen C0950123, MeSH D030342.

gnomAD v4.1: 22 of 1,613,116 alleles (0.0014%); highest among the groups gnomAD compares: Middle Eastern, 0.017%; no homozygotes.

Submissions (2):

CeGaT Center for Human Genetics Tuebingen
Classification: Uncertain significance. Last evaluated: 2026-05-01. Review status: criteria provided, single submitter. Criteria: CeGaT Center For Human Genetics Tuebingen Variant Classification Criteria Version 2. Collection method: clinical testing. Allele origin: germline. Affected: yes. Observed: 1 variant allele.
Comment: EIF2B2: PM2

Ambry Genetics
Classification: Uncertain significance for Inborn genetic diseases. Last evaluated: 2025-08-19. Review status: criteria provided, single submitter. Criteria: Ambry Variant Classification Scheme 2023. Collection method: clinical testing. Allele origin: germline.

NM_014239.4(EIF2B2):c.536A>G (p.Lys179Arg)

Gene: EIF2B2 (eukaryotic translation initiation factor 2B subunit beta; plus strand). Cytogenetic location: 14q24.3.
Variant type: single nucleotide variant.
Coding change: c.536A>G on transcript NM_014239.4 (MANE Select); coding-DNA position 536, A replaced by G.
Protein change: p.Lys179Arg; replaces lysine 179 with arginine.
Molecular consequence: missense variant.
Genome position (GRCh38, 1-based): chr14:75,004,839, A>G. VCF-style: chr14-75004839-A-G. GRCh37 (hg19) VCF-style: chr14-75471542-A-G.
Other names: short protein forms K179R.
Identifiers: ClinVar variation 4247693 (VCV004247693.3).
Genomic context (GRCh38, chr14:75,004,839, plus strand): 5'-TTCACTCCAATGAGGTGATCATGACCATTGGCTTCTCCCGAACAGTAGAGGCCTTCCTCA[A>G]AGAGGCTGCCCGAAAGAGGAAATTCCATGTCATTGTAGCAGAGTGTGCTCCTTTCTGCCA-3'
Protein context (NP_055054.1, residues 169-189): GFSRTVEAFL[Lys179Arg]EAARKRKFHV